The following is an entry in ClinVar:

NM_000203.5(IDUA):c.683del (p.Pro228fs)

Gene: IDUA (alpha-L-iduronidase; plus strand). Cytogenetic location: 4p16.3.
Variant type: Deletion.
Coding change: c.683del on transcript NM_000203.5 (MANE Select); coding-DNA position 683, one base deleted (C; older notation c.683delC).
Protein change: p.Pro228fs; shifts the reading frame from proline 228.
Molecular consequence: frameshift variant. On other transcripts: non-coding transcript variant (1).
Genome position (GRCh38, 1-based): chr4:1,001,772, C deleted; the last of 4 consecutive C bases (chr4:1,001,769-1,001,772); deleting any one gives the same sequence. VCF-style (leftmost placement, unchanged base first): chr4-1001768-AC-A. GRCh37 (hg19) VCF-style: chr4-995556-AC-A.
Other names: NM_001363576.1:c.287del; c.287del, p.Pro96fs (NM_001363576.1); short protein forms P228fs, P96fs.
Identifiers: ClinVar variation 5016535 (VCV005016535.1).

ClinVar aggregate classification (germline): Pathogenic (3 of 4 stars; one submission).

Conditions:
Mucopolysaccharidosis type 1. Also called: IDUA deficiency; MPS I; Mucopolysaccharidosis Type I. Identifiers: Orphanet 579, MedGen C0023786, MONDO:0001586.

Submission:

ClinGen Lysosomal Storage Disorder Variant Curation Expert Panel
Classification: Pathogenic for Mucopolysaccharidosis type 1. Last evaluated: 2026-07-06. Review status: reviewed by expert panel. Criteria: ClinGen LSD ACMG Specifications IDUA V1.2.0. Collection method: curation. Allele origin: germline. Inheritance: Autosomal recessive inheritance.
Comment: The NM_000203.5:c.683del (p.Pro228HisfsTer6) variant in IDUA is a frameshift variant predicted to cause a premature stop codon in biologically relevant exon 6 out of 14, leading to nonsense-mediated decay in a gene in which loss-of-function is an established disease mechanism (PVS1). At least 1 patient’s phenotype is highly specific for MPS I, with markedly reduced IDUA activity (1.92), elevated urine GAGs (1115.4), coarse facies, corneal clouding, mental retardation, skeletal abnormalities, cardiac abnormalities, and hepatosplenomegaly. 0.5 points (PMID: 27520059) (PP4_Moderate, PM3_Supporting) This variant is absent in gnomAD v4.0. (PM2_Supporting). In summary, this variant meets the criteria to be classified as Pathogenic for MPS I based on the IDUA-specific ACMG/AMP criteria applied, as specified by the ClinGen Lysosomal Diseases Variant Curation Expert Panel (Specifications Version 1.2.0): PVS1, PP4_Moderate, PM3_Supporting, PM2_Supporting (Classification approved by the ClinGen Lysosomal Diseases Variant Curation Expert Panel on July 6, 2026)